The following is an entry in ClinVar:

ClinVar aggregate classification (germline): Benign. Review status: criteria provided, single submitter (1 of 4 stars). 2 submissions from 2 submitters: Benign (1). 1 of the submissions does not count toward it. Last evaluated 2025-08-12.

Conditions:
RNF213-related disorder. Also called: RNF213-related condition.

Allele frequency attached by ClinVar (database versions not stated): TOPMed 0.00007; ExAC 0.00001; gnomAD 0.00010.
gnomAD v4.1: 44 of 1,613,940 alleles (0.0027%); highest among the groups gnomAD compares: African/African-American, 0.033%; no homozygotes.

Submissions (2):

Labcorp Genetics (formerly Invitae), Labcorp
Classification: Benign. Last evaluated: 2025-08-12. Review status: criteria provided, single submitter. Criteria: Invitae Variant Classification Sherloc (09022015). Collection method: clinical testing. Allele origin: germline.

PreventionGenetics, part of Exact Sciences
Classification: Likely benign for RNF213-related condition. Last evaluated: 2019-06-07. Review status: no assertion criteria provided. Collection method: clinical testing. Allele origin: germline. Not counted in ClinVar's aggregate classification.
Comment: This variant is classified as likely benign based on ACMG/AMP sequence variant interpretation guidelines (Richards et al. 2015 PMID: 25741868, with internal and published modifications).

NM_001256071.3(RNF213):c.15189G>A (p.Val5063=)

Genes: RNF213 (ring finger protein 213; plus strand), RNF213-AS1 (RNF213 antisense RNA 1; minus strand). Cytogenetic location: 17q25.3.
Variant type: single nucleotide variant.
Coding change: c.15189G>A on transcript NM_001256071.3 (MANE Select); coding-DNA position 15189, G replaced by A.
Protein change: p.Val5063=; no amino-acid change (valine 5063 retained).
Molecular consequence: synonymous variant.
Genome position (GRCh38, 1-based): chr17:80,389,361, G>A. VCF-style: chr17-80389361-G-A. GRCh37 (hg19) VCF-style: chr17-78363161-G-A.
Other names: c.15336G>A, p.Val5112= (NM_001410195.1, NM_020914.5).
Identifiers: ClinVar variation 3044717 (VCV003044717.4), dbSNP rs369925295, ClinGen allele CA8823212.